The following is an entry in ClinVar:

ClinVar aggregate classification (germline): Pathogenic (1 of 4 stars; one submission).

Submission:

Labcorp Genetics (formerly Invitae), Labcorp
Classification: Pathogenic. Last evaluated: 2025-01-30. Review status: criteria provided, single submitter. Criteria: Invitae Variant Classification Sherloc (09022015). Collection method: clinical testing. Allele origin: germline.
Comment: This sequence change creates a premature translational stop signal (p.Ser1026Lysfs*41) in the RUSC2 gene. It is expected to result in an absent or disrupted protein product. Loss-of-function variants in RUSC2 are known to be pathogenic (PMID: 27612186). This variant is not present in population databases (gnomAD no frequency). This variant has not been reported in the literature in individuals affected with RUSC2-related conditions. For these reasons, this variant has been classified as Pathogenic.

Literature cited by the submitters: PubMed 27612186.

NM_014806.5(RUSC2):c.3073_3076dup (p.Ser1026fs)

Gene: RUSC2 (RUN and SH3 domain containing 2; plus strand). Cytogenetic location: 9p13.3.
Variant type: Duplication.
Coding change: c.3073_3076dup on transcript NM_014806.5 (MANE Select); coding-DNA positions 3073 to 3076, 4 bases duplicated (AACA; older notation c.3073_3076dupAACA).
Protein change: p.Ser1026fs; shifts the reading frame from serine 1026.
Molecular consequence: frameshift variant. On other transcripts: non-coding transcript variant (1).
Genome position (GRCh38, 1-based): chr9:35,558,209-35,558,212, AACA duplicated; duplicating any 4 consecutive bases within chr9:35,558,208-35,558,212 gives the same sequence; the c. name uses the placement nearest the transcript's 3' end. VCF-style (leftmost placement, unchanged base first): chr9-35558207-G-GAAAC. GRCh37 (hg19) VCF-style: chr9-35558204-G-GAAAC.
Other names: c.3073_3076dup, p.Ser1026fs (NM_001135999.2); c.439_442dup, p.Ser148fs (NM_001330740.2); short protein forms S148fs, S1026fs.
Identifiers: ClinVar variation 3729839 (VCV003729839.2).
Genomic context (GRCh38, chr9:35,558,207, plus strand): 5'-CCACAGTCAGGCCTGAGGGGGTTTCCTGCACTTCCCTACCACACCTACAGGCAAAGCTGG[G>GAAAC]AAACAGTTCTGTGAGCCCCAATGTGGGCCACCTGGTTCTGAAGTACTTGTGCCCTGCCGT-3'